The following is an entry in ClinVar:

ClinVar aggregate classification (germline): Likely benign. Review status: criteria provided, multiple submitters, no conflicts (2 of 4 stars). 5 submissions from 5 submitters: Likely benign (5). Last evaluated 2026-05-26.

Conditions:
BMP4-related disorder. Also called: BMP4-related condition.
Microphthalmia with brain and digit anomalies (MCOPS6). Also called: Microphthalmia, syndromic 6; MICROPHTHALMIA AND PITUITARY ANOMALIES. Identifiers: Orphanet 139471, MedGen C1864689, MONDO:0011936, OMIM 607932.
Orofacial cleft 11 (OFC11). Also called: CLEFT LIP WITH OR WITHOUT CLEFT PALATE, NONSYNDROMIC, 11; Orofacial cleft 11; ofc11. Identifiers: MedGen C2677434, MONDO:0010906, OMIM 600625.

Allele frequency attached by ClinVar (database versions not stated): gnomAD 0.00003 and 0.00004; TOPMed 0.00003; gnomAD exomes 0.00007; ExAC 0.00008.
gnomAD v4.1: 73 of 1,612,382 alleles (0.0045%); highest among the groups gnomAD compares: Middle Eastern, 0.049%; no homozygotes.

Submissions (5):

PreventionGenetics, part of Exact Sciences
Classification: Likely benign for BMP4-related condition. Last evaluated: 2026-05-26. Review status: criteria provided, single submitter. Criteria: ACMG Guidelines, 2015. Collection method: clinical testing. Allele origin: germline.
Comment: This variant is classified as likely benign based on ACMG/AMP sequence variant interpretation guidelines (Richards et al. 2015 PMID: 25741868, with internal and published modifications).

Blueprint Genetics
Classification: Likely benign. Last evaluated: 2024-11-05. Review status: criteria provided, single submitter. Criteria: ACMG Guidelines, 2015. Collection method: clinical testing. Allele origin: germline.

Labcorp Genetics (formerly Invitae), Labcorp
Classification: Likely benign for Microphthalmia with brain and digit anomalies; Orofacial cleft 11. Last evaluated: 2022-09-29. Review status: criteria provided, single submitter. Criteria: Invitae Variant Classification Sherloc (09022015). Collection method: clinical testing. Allele origin: germline.

Fulgent Genetics
Classification: Likely benign for Orofacial cleft 11; Microphthalmia with brain and digit anomalies. Last evaluated: 2021-12-29. Review status: criteria provided, single submitter. Criteria: ACMG Guidelines, 2015. Collection method: clinical testing. Allele origin: unknown.

Genetic Services Laboratory, University of Chicago
Classification: Likely benign. Last evaluated: 2016-07-13. Review status: criteria provided, single submitter. Criteria: ACMG Guidelines, 2015. Collection method: clinical testing. Allele origin: germline. Affected: no.

NM_001202.6(BMP4):c.252G>A (p.Arg84=)

Gene: BMP4 (bone morphogenetic protein 4; minus strand). Cytogenetic location: 14q22.2.
Variant type: single nucleotide variant.
Coding change: c.252G>A on transcript NM_001202.6 (MANE Select); coding-DNA position 252, G replaced by A.
Protein change: p.Arg84=; no amino-acid change (arginine 84 retained).
Molecular consequence: synonymous variant.
Genome position (GRCh38, 1-based): chr14:53,951,971, C>T on the plus strand (G>A on the coding strand, the complement: BMP4 is on the minus strand). VCF-style: chr14-53951971-C-T. GRCh37 (hg19) VCF-style: chr14-54418689-C-T.
Other names: c.393G>A, p.Arg131= (NM_001347912.1); c.63G>A, p.Arg21= (NM_001347913.2, NM_001347915.2, NM_001347917.1); c.252G>A, p.Arg84= (NM_001347914.2, NM_001347916.1, NM_130850.5 and 1 more transcripts); c.252G>A (NM_001202.5).
Identifiers: ClinVar variation 434517 (VCV000434517.17), dbSNP rs781435238, ClinGen allele CA7191804.